The following is an entry in ClinVar:

NM_005419.4(STAT2):c.235G>C (p.Glu79Gln)

Gene: STAT2 (signal transducer and activator of transcription 2; minus strand). Cytogenetic location: 12q13.3.
Variant type: single nucleotide variant.
Coding change: c.235G>C on transcript NM_005419.4 (MANE Select); coding-DNA position 235, G replaced by C.
Protein change: p.Glu79Gln; replaces glutamic acid 79 with glutamine.
Molecular consequence: missense variant.
Genome position (GRCh38, 1-based): chr12:56,356,182, C>G on the plus strand (G>C on the coding strand, the complement: STAT2 is on the minus strand). VCF-style: chr12-56356182-C-G. GRCh37 (hg19) VCF-style: chr12-56749966-C-G.
Other names: c.235G>C, p.Glu79Gln (NM_001385110.1, NM_001385111.1, NM_001385113.1 and 3 more transcripts); short protein forms E79Q.
Identifiers: ClinVar variation 2413412 (VCV002413412.3), dbSNP rs764849880, ClinGen allele CA6630926.
Genomic context (GRCh38, chr12:56,356,182, plus strand): 5'-TTCCAAGTACCTGAATGTCCCGGCAGAATTTCCGCAAATTGTGCTGCAGCAACAAGGACT[C>G]TGGGTCCTGGCTGCAACGGCCACACTCATAGTTCAGCTGATCCAAGAAGTGGAAGAATAG-3'
Protein context (NP_005410.1, residues 69-89): YECGRCSQDP[Glu79Gln]SLLLQHNLRK

ClinVar aggregate classification (germline): Uncertain significance (1 of 4 stars; one submission).

Conditions:
Primary immunodeficiency with post-measles-mumps-rubella vaccine viral infection. Also called: Immunodeficiency 44. Identifiers: Orphanet 431166, MedGen C4225260, MONDO:0014715, OMIM 616636.

Allele frequency attached by ClinVar (database versions not stated): gnomAD exomes below 0.00001; ExAC 0.00001.

Submission:

Labcorp Genetics (formerly Invitae), Labcorp
Classification: Uncertain significance for Primary immunodeficiency with post-measles-mumps-rubella vaccine viral infection. Last evaluated: 2022-01-15. Review status: criteria provided, single submitter. Criteria: Invitae Variant Classification Sherloc (09022015). Collection method: clinical testing. Allele origin: germline.
Comment: This sequence change replaces glutamic acid, which is acidic and polar, with glutamine, which is neutral and polar, at codon 79 of the STAT2 protein (p.Glu79Gln). This variant is present in population databases (rs764849880, gnomAD 0.003%). This variant has not been reported in the literature in individuals affected with STAT2-related conditions. Advanced modeling of protein sequence and biophysical properties (such as structural, functional, and spatial information, amino acid conservation, physicochemical variation, residue mobility, and thermodynamic stability) performed at Invitae indicates that this missense variant is not expected to disrupt STAT2 protein function. In summary, the available evidence is currently insufficient to determine the role of this variant in disease. Therefore, it has been classified as a Variant of Uncertain Significance.